The following is an entry in ClinVar:

NM_000540.3(RYR1):c.4161-526_4161-499del

Gene: RYR1 (ryanodine receptor 1; plus strand). Cytogenetic location: 19q13.2.
Variant type: Deletion.
Coding change: c.4161-526_4161-499del on transcript NM_000540.3 (MANE Select); 526 bases into the intron before coding-DNA position 4161 through 499 bases into the intron before coding-DNA position 4161, 28 bases deleted (CTTGAACTCCTGACCTCAGGTGATCCGT).
Molecular consequence: intron variant.
Genome position (GRCh38, 1-based): chr19:38,474,792-38,474,819, CTTGAACTCCTGACCTCAGGTGATCCGT deleted; deleting any 28 consecutive bases within chr19:38,474,790-38,474,819 gives the same sequence; the c. name uses the placement nearest the transcript's 3' end. VCF-style (leftmost placement, unchanged base first): chr19-38474789-GGTCTTGAACTCCTGACCTCAGGTGATCC-G. GRCh37 (hg19) VCF-style: chr19-38965429-GGTCTTGAACTCCTGACCTCAGGTGATCC-G.
Other names: c.4161-526_4161-499del (NM_001042723.2).
Identifiers: ClinVar variation 3338143 (VCV003338143.1).

ClinVar aggregate classification (germline): Likely benign (0 of 4 stars; one submission).

Conditions:
Muscle tissue disorder. Also called: muscle disorder; Muscle tissue disease; Muscle disorders; Muscular disease. Identifiers: MedGen CN294483, MONDO:0003939.

Submission:

Joint Genome Diagnostic Labs from Nijmegen and Maastricht, Radboudumc and MUMC+
Classification: Likely benign for muscle disorder. Review status: no assertion criteria provided. Collection method: clinical testing. Allele origin: germline. Affected: yes.
Comment: Found in cis with pathogenic monoallelic variant